The following is an entry in ClinVar:

NM_152743.4(BRAT1):c.2068G>A (p.Glu690Lys)

Gene: BRAT1 (BRCA1 associated ATM activator 1; minus strand). Cytogenetic location: 7p22.3.
Variant type: single nucleotide variant.
Coding change: c.2068G>A on transcript NM_152743.4 (MANE Select); coding-DNA position 2068, G replaced by A.
Protein change: p.Glu690Lys; replaces glutamic acid 690 with lysine.
Molecular consequence: missense variant. On other transcripts: non-coding transcript variant (1).
Genome position (GRCh38, 1-based): chr7:2,538,467, C>T on the plus strand (G>A on the coding strand, the complement: BRAT1 is on the minus strand). VCF-style: chr7-2538467-C-T. GRCh37 (hg19) VCF-style: chr7-2578101-C-T.
Other names: c.2248G>A, p.Glu750Lys (NM_001350626.2); c.1543G>A, p.Glu515Lys (NM_001350627.2); short protein forms E690K, E750K, E515K.
Identifiers: ClinVar variation 540168 (VCV000540168.6), dbSNP rs745828770, ClinGen allele CA4127471.

ClinVar aggregate classification (germline): Uncertain significance (1 of 4 stars; one submission).

Conditions:
Neonatal-onset encephalopathy with rigidity and seizures. Also called: Lethal neonatal spasticity-epileptic encephalopathy syndrome. Identifiers: Orphanet 435845, MedGen C3281029, MONDO:0013784, OMIM 614498.

Allele frequency attached by ClinVar (database versions not stated): ExAC 0.00001; gnomAD exomes 0.00001; TOPMed 0.00001; gnomAD 0.00003.
gnomAD v4.1: 12 of 1,612,740 alleles (0.00074%); highest among the groups gnomAD compares: African/African-American, 0.0053%; no homozygotes.

Submission:

Labcorp Genetics (formerly Invitae), Labcorp
Classification: Uncertain significance for Neonatal-onset encephalopathy with rigidity and seizures. Last evaluated: 2021-08-24. Review status: criteria provided, single submitter. Criteria: Invitae Variant Classification Sherloc (09022015). Collection method: clinical testing. Allele origin: germline.
Comment: This sequence change replaces glutamic acid with lysine at codon 690 of the BRAT1 protein (p.Glu690Lys). The glutamic acid residue is highly conserved and there is a small physicochemical difference between glutamic acid and lysine. This variant is present in population databases (rs745828770, ExAC 0.006%). This variant has not been reported in the literature in individuals affected with BRAT1-related conditions. Algorithms developed to predict the effect of missense changes on protein structure and function output the following: SIFT: "Tolerated"; PolyPhen-2: "Benign"; Align-GVGD: "Class C0". The lysine amino acid residue is found in multiple mammalian species, which suggests that this missense change does not adversely affect protein function. In summary, the available evidence is currently insufficient to determine the role of this variant in disease. Therefore, it has been classified as a Variant of Uncertain Significance.